The following is an entry in ClinVar:

NM_000384.3(APOB):c.1111A>C (p.Ile371Leu)

Gene: APOB (apolipoprotein B; minus strand). Cytogenetic location: 2p24.1.
Variant type: single nucleotide variant.
Coding change: c.1111A>C on transcript NM_000384.3 (MANE Select); coding-DNA position 1111, A replaced by C.
Protein change: p.Ile371Leu; replaces isoleucine 371 with leucine.
Molecular consequence: missense variant.
Genome position (GRCh38, 1-based): chr2:21,033,312, T>G on the plus strand (A>C on the coding strand, the complement: APOB is on the minus strand). VCF-style: chr2-21033312-T-G. GRCh37 (hg19) VCF-style: chr2-21256184-T-G.
Other names: short protein forms I371L.
Identifiers: ClinVar variation 1795238 (VCV001795238.2), dbSNP rs2465435522, ClinGen allele CA345958551.

ClinVar aggregate classification (germline): Uncertain significance (1 of 4 stars; one submission).

Conditions:
Cardiovascular phenotype. Identifiers: MedGen CN230736.

Submission:

Ambry Genetics
Classification: Uncertain significance for Cardiovascular phenotype. Last evaluated: 2019-09-06. Review status: criteria provided, single submitter. Criteria: Ambry Variant Classification Scheme 2023. Collection method: clinical testing. Allele origin: germline.
Comment: The p.I371L variant (also known as c.1111A>C), located in coding exon 9 of the APOB gene, results from an A to C substitution at nucleotide position 1111. The isoleucine at codon 371 is replaced by leucine, an amino acid with highly similar properties. This amino acid position is not well conserved in available vertebrate species, and leucine is the reference amino acid in other vertebrate species. In addition, this alteration is predicted to be tolerated by in silico analysis. Since supporting evidence is limited at this time, the clinical significance of this alteration remains unclear.